The following is an entry in ClinVar:

ClinVar aggregate classification (germline): Likely benign. Review status: criteria provided, multiple submitters, no conflicts (2 of 4 stars). 2 submissions from 2 submitters: Likely benign (2). Last evaluated 2018-06-16.

Allele frequency attached by ClinVar (database versions not stated): 1000 Genomes Project 30x 0.00125; 1000 Genomes Project 0.00140; TOPMed 0.00408; gnomAD 0.00502 and 0.00525; ESP Exome Variant Server 0.00546; ExAC 0.00652.
gnomAD v4.1: 10,395 of 1,541,920 alleles (0.67%); highest among the groups gnomAD compares: Non-Finnish European, 0.81%; 40 homozygotes.

Submissions (2):

GeneDx
Classification: Likely benign. Last evaluated: 2018-06-16. Review status: criteria provided, single submitter. Criteria: GeneDx Variant Classification (06012015). Collection method: clinical testing. Allele origin: germline. Affected: yes.
Comment: This variant is considered likely benign or benign based on one or more of the following criteria: it is a conservative change, it occurs at a poorly conserved position in the protein, it is predicted to be benign by multiple in silico algorithms, and/or has population frequency not consistent with disease.

Breakthrough Genomics
Classification: Likely benign. Review status: criteria provided, single submitter. Criteria: ACMG Guidelines, 2015. Collection method: not provided. Allele origin: germline. Inheritance: Autosomal dominant inheritance. Affected: yes.

NM_001999.4(FBN2):c.7139-33G>A

Gene: FBN2 (fibrillin 2; minus strand). Cytogenetic location: 5q23.3.
Variant type: single nucleotide variant.
Coding change: c.7139-33G>A on transcript NM_001999.4 (MANE Select); 33 bases into the intron before coding-DNA position 7139, G replaced by A.
Molecular consequence: intron variant.
Genome position (GRCh38, 1-based): chr5:128,278,874, C>T on the plus strand (G>A on the coding strand, the complement: FBN2 is on the minus strand). VCF-style: chr5-128278874-C-T. GRCh37 (hg19) VCF-style: chr5-127614566-C-T.
Identifiers: ClinVar variation 673588 (VCV000673588.2), dbSNP rs199889927, ClinGen allele CA3394208.